The following is an entry in ClinVar:

ClinVar aggregate classification (germline): Likely pathogenic (1 of 4 stars; one submission).

Conditions:
Beckwith-Wiedemann syndrome (BWS). Also called: EMG SYNDROME; Exomphalos macroglossia gigantism syndrome. Identifiers: Orphanet 116, MedGen C0004903, MONDO:0007534, OMIM 130650.

Submission:

Labcorp Genetics (formerly Invitae), Labcorp
Classification: Likely pathogenic for Beckwith-Wiedemann syndrome. Last evaluated: 2019-09-10. Review status: criteria provided, single submitter. Criteria: Invitae Variant Classification Sherloc (09022015). Collection method: clinical testing. Allele origin: germline.
Comment: This sequence change affects an acceptor splice site in intron 12 of the NSD1 gene. It is expected to disrupt RNA splicing and likely results in an absent or disrupted protein product. This variant is not present in population databases (ExAC no frequency). This variant has not been reported in the literature in individuals with NSD1-related conditions. Algorithms developed to predict the effect of sequence changes on RNA splicing suggest that this variant may disrupt the consensus splice site, but this prediction has not been confirmed by published transcriptional studies. Donor and acceptor splice site variants typically lead to a loss of protein function (PMID: 16199547), and loss-of-function variants in NSD1 are known to be pathogenic (PMID: 12464997, 14571271, 15942875, 16247291). In summary, the currently available evidence indicates that the variant is pathogenic, but additional data are needed to prove that conclusively. Therefore, this variant has been classified as Likely Pathogenic.

Literature cited by the submitters: PubMed 15942875; PubMed 12464997; PubMed 16247291; PubMed 14571271.

NM_022455.5(NSD1):c.4766-1G>A

Gene: NSD1 (nuclear receptor binding SET domain protein 1; plus strand). Cytogenetic location: 5q35.3.
Variant type: single nucleotide variant.
Coding change: c.4766-1G>A on transcript NM_022455.5 (MANE Select); the canonical splice acceptor site of the intron before coding-DNA position 4766, G replaced by A.
Molecular consequence: splice acceptor variant.
Genome position (GRCh38, 1-based): chr5:177,256,950, G>A. VCF-style: chr5-177256950-G-A. GRCh37 (hg19) VCF-style: chr5-176683951-G-A.
Other names: c.4766-1G>A (NM_001409301.1, NM_001409302.1, NM_001409303.1); c.4346-1G>A (NM_001409304.1); c.4013-1G>A (NM_001409305.1); c.4004-1G>A (NM_001409306.1, NM_001409307.1); c.3893-1G>A (NM_001409308.1, NM_172349.5, NM_001409309.1 and 1 more transcripts).
Identifiers: ClinVar variation 953706 (VCV000953706.1), dbSNP rs1756517678, ClinGen allele CA362354686.
Genomic context (GRCh38, chr5:177,256,950, plus strand): 5'-ATGGTTTAGCATTTGGTAGATTCTTGAATTCTTACTAATTTATCTTCTTTTGGCTTCTCA[G>A]GAATCCATACCTGTTTTGTATGTAAGCAGAGTGGGGAAGATGTTAAAAGGTGCCTTCTAC-3'